The following is an entry in ClinVar:

ClinVar aggregate classification (germline): Uncertain significance (1 of 4 stars; one submission).

Conditions:
PHIP-related disorder. Also called: PHIP-related disorders; PHIP-related condition.

Submission:

PreventionGenetics, part of Exact Sciences
Classification: Uncertain significance for PHIP-related condition. Last evaluated: 2025-07-02. Review status: criteria provided, single submitter. Criteria: ACMG Guidelines, 2015. Collection method: clinical testing. Allele origin: germline.
Comment: The PHIP c.5333A>C variant is predicted to result in the amino acid substitution p.Tyr1778Ser. To our knowledge, this variant has not been reported in the literature or in a large population database (gnomAD), indicating this variant is rare. At this time, the clinical significance of this variant is uncertain due to the absence of conclusive functional and genetic evidence.

NM_017934.7(PHIP):c.5333A>C (p.Tyr1778Ser)

Genes: IRAK1BP1 (interleukin 1 receptor associated kinase 1 binding protein 1; plus strand), PHIP (PHIP subunit of CUL4-Ring ligase complex; minus strand). Cytogenetic location: 6q14.1.
Variant type: single nucleotide variant.
Coding change: c.5333A>C on transcript NM_017934.7 (MANE Select); coding-DNA position 5333, A replaced by C.
Protein change: p.Tyr1778Ser; replaces tyrosine 1778 with serine.
Molecular consequence: missense variant.
Genome position (GRCh38, 1-based): chr6:78,940,826, T>G on the plus strand (A>C on the coding strand, the complement: PHIP is on the minus strand). VCF-style: chr6-78940826-T-G. GRCh37 (hg19) VCF-style: chr6-79650543-T-G.
Other names: short protein forms Y1778S.
Identifiers: ClinVar variation 5001503 (VCV005001503.1).